The following is an entry in ClinVar:

NM_031308.4(EPPK1):c.1283_1286del (p.Thr428fs)

Gene: EPPK1 (epiplakin 1; minus strand). Cytogenetic location: 8q24.3.
Variant type: Deletion.
Coding change: c.1283_1286del on transcript NM_031308.4 (MANE Select); coding-DNA positions 1283 to 1286, 4 bases deleted (CTCA; older notation c.1283_1286delCTCA).
Protein change: p.Thr428fs; shifts the reading frame from threonine 428.
Molecular consequence: frameshift variant.
Genome position (GRCh38, 1-based): chr8:143,871,968-143,871,971, TGAG deleted on the plus strand (CTCA on the coding strand, the reverse complement: EPPK1 is on the minus strand); deleting any 4 consecutive bases within chr8:143,871,968-143,871,973 gives the same sequence; the c. name uses the placement nearest the transcript's 3' end. VCF-style (leftmost placement, unchanged base first): chr8-143871967-CTGAG-C. GRCh37 (hg19) VCF-style: chr8-144946135-CTGAG-C.
Other names: c.1283_1286delCTCA (NM_031308.3); short protein forms T428fs.
Identifiers: ClinVar variation 3053822 (VCV003053822.12), dbSNP rs549868927, ClinGen allele CA4923403.

ClinVar aggregate classification (germline): Likely benign. Review status: criteria provided, single submitter (1 of 4 stars). 2 submissions from 2 submitters: Likely benign (1). 1 of the submissions does not count toward it. Last evaluated 2025-04-01.

Conditions:
EPPK1-related disorder. Also called: EPPK1-related condition.

Submissions (2):

CeGaT Center for Human Genetics Tuebingen
Classification: Likely benign. Last evaluated: 2025-04-01. Review status: criteria provided, single submitter. Criteria: CeGaT Center For Human Genetics Tuebingen Variant Classification Criteria Version 2. Collection method: clinical testing. Allele origin: germline. Affected: yes. Observed: 1 variant allele.
Comment: EPPK1: BS1

PreventionGenetics, part of Exact Sciences
Classification: Benign for EPPK1-related condition. Last evaluated: 2021-04-14. Review status: no assertion criteria provided. Collection method: clinical testing. Allele origin: germline. Not counted in ClinVar's aggregate classification.
Comment: This variant is classified as benign based on ACMG/AMP sequence variant interpretation guidelines (Richards et al. 2015 PMID: 25741868, with internal and published modifications).